The following is an entry in ClinVar:

ClinVar aggregate classification (germline): Uncertain significance (1 of 4 stars; one submission).

Allele frequency attached by ClinVar (database versions not stated): gnomAD exomes below 0.00001; ExAC 0.00001; gnomAD 0.00001.
gnomAD v4.1: 3 of 1,614,058 alleles (0.00019%); highest among the groups gnomAD compares: Non-Finnish European, 0.00025%; no homozygotes.

Submission:

Ambry Genetics
Classification: Uncertain significance. Last evaluated: 2022-04-19. Review status: criteria provided, single submitter. Criteria: Ambry Variant Classification Scheme 2023. Collection method: clinical testing. Allele origin: germline.
Comment: The p.L485I variant (also known as c.1453C>A), located in coding exon 3 of the ALPK2 gene, results from a C to A substitution at nucleotide position 1453. The leucine at codon 485 is replaced by isoleucine, an amino acid with highly similar properties. This amino acid position is conserved. In addition, this alteration is predicted to be tolerated by in silico analysis. Since supporting evidence is limited at this time, the clinical significance of this alteration remains unclear.

NM_052947.4(ALPK2):c.1453C>A (p.Leu485Ile)

Gene: ALPK2 (alpha kinase 2; minus strand). Cytogenetic location: 18q21.31.
Variant type: single nucleotide variant.
Coding change: c.1453C>A on transcript NM_052947.4 (MANE Select); coding-DNA position 1453, C replaced by A.
Protein change: p.Leu485Ile; replaces leucine 485 with isoleucine.
Molecular consequence: missense variant.
Genome position (GRCh38, 1-based): chr18:58,579,323, G>T on the plus strand (C>A on the coding strand, the complement: ALPK2 is on the minus strand). VCF-style: chr18-58579323-G-T. GRCh37 (hg19) VCF-style: chr18-56246555-G-T.
Other names: short protein forms L485I.
Identifiers: ClinVar variation 1772996 (VCV001772996.3), dbSNP rs778710617, ClinGen allele CA8977254.